The following is an entry in ClinVar:

ClinVar aggregate classification (germline): Uncertain significance (1 of 4 stars; one submission).

Conditions:
EHMT1-related disorder. Also called: EHMT1-related condition.

gnomAD v4.1: 1 of 1,607,326 alleles (0.000062%); highest among the groups gnomAD compares: Non-Finnish European, 0.000085%; no homozygotes.

Submission:

PreventionGenetics, part of Exact Sciences
Classification: Uncertain significance for EHMT1-related condition. Last evaluated: 2026-01-05. Review status: criteria provided, single submitter. Criteria: ACMG Guidelines, 2015. Collection method: clinical testing. Allele origin: germline.
Comment: The EHMT1 c.154G>C variant is predicted to result in the amino acid substitution p.Gly52Arg. To our knowledge, this variant has not been reported in the literature. This variant is reported in 0.0018% of alleles in individuals of European (Non-Finnish) descent in gnomAD. At this time, the clinical significance of this variant is uncertain due to the absence of conclusive functional and genetic evidence.

NM_024757.5(EHMT1):c.154G>C (p.Gly52Arg)

Gene: EHMT1 (euchromatic histone lysine methyltransferase 1; plus strand). Cytogenetic location: 9q34.3.
Variant type: single nucleotide variant.
Coding change: c.154G>C on transcript NM_024757.5 (MANE Select); coding-DNA position 154, G replaced by C.
Protein change: p.Gly52Arg; replaces glycine 52 with arginine.
Molecular consequence: missense variant.
Genome position (GRCh38, 1-based): chr9:137,716,694, G>C. VCF-style: chr9-137716694-G-C. GRCh37 (hg19) VCF-style: chr9-140611146-G-C.
Other names: c.154G>C, p.Gly52Arg (NM_001145527.2, NM_001354263.2, NM_001354611.2); c.61G>C, p.Gly21Arg (NM_001354259.2, NM_001354612.2); short protein forms G21R, G52R.
Identifiers: ClinVar variation 4991345 (VCV004991345.1).